The following is an entry in ClinVar:

NM_000094.4(COL7A1):c.1132G>T (p.Gly378Cys)

Gene: COL7A1 (collagen type VII alpha 1 chain; minus strand). Cytogenetic location: 3p21.31.
Variant type: single nucleotide variant.
Coding change: c.1132G>T on transcript NM_000094.4 (MANE Select); coding-DNA position 1132, G replaced by T.
Protein change: p.Gly378Cys; replaces glycine 378 with cysteine.
Molecular consequence: missense variant.
Genome position (GRCh38, 1-based): chr3:48,592,210, C>A on the plus strand (G>T on the coding strand, the complement: COL7A1 is on the minus strand). VCF-style: chr3-48592210-C-A. GRCh37 (hg19) VCF-style: chr3-48629643-C-A.
Other names: short protein forms G378C.
Identifiers: ClinVar variation 1912537 (VCV001912537.2), dbSNP rs765113230, ClinGen allele CA2381312.

ClinVar aggregate classification (germline): Uncertain significance (1 of 4 stars; one submission).

Allele frequency attached by ClinVar (database versions not stated): ExAC 0.00001; gnomAD exomes 0.00002.
gnomAD v4.1: 36 of 1,614,000 alleles (0.0022%); highest among the groups gnomAD compares: Non-Finnish European, 0.0031%; no homozygotes.

Submission:

Labcorp Genetics (formerly Invitae), Labcorp
Classification: Uncertain significance. Last evaluated: 2022-08-22. Review status: criteria provided, single submitter. Criteria: Invitae Variant Classification Sherloc (09022015). Collection method: clinical testing. Allele origin: germline.
Comment: This sequence change replaces glycine, which is neutral and non-polar, with cysteine, which is neutral and slightly polar, at codon 378 of the COL7A1 protein (p.Gly378Cys). This variant is present in population databases (rs765113230, gnomAD 0.002%). This variant has not been reported in the literature in individuals affected with COL7A1-related conditions. Advanced modeling of protein sequence and biophysical properties (such as structural, functional, and spatial information, amino acid conservation, physicochemical variation, residue mobility, and thermodynamic stability) performed at Invitae indicates that this missense variant is not expected to disrupt COL7A1 protein function. In summary, the available evidence is currently insufficient to determine the role of this variant in disease. Therefore, it has been classified as a Variant of Uncertain Significance.